The following is an entry in ClinVar:

NM_024642.5(GALNT12):c.359G>C (p.Arg120Pro)

Gene: GALNT12 (polypeptide N-acetylgalactosaminyltransferase 12; plus strand). Cytogenetic location: 9q22.33.
Variant type: single nucleotide variant.
Coding change: c.359G>C on transcript NM_024642.5 (MANE Select); coding-DNA position 359, G replaced by C.
Protein change: p.Arg120Pro; replaces arginine 120 with proline.
Molecular consequence: missense variant.
Genome position (GRCh38, 1-based): chr9:98,808,057, G>C. VCF-style: chr9-98808057-G-C. GRCh37 (hg19) VCF-style: chr9-101570339-G-C.
Other names: short protein forms R120P.
Identifiers: ClinVar variation 241512 (VCV000241512.21), dbSNP rs202137559, ClinGen allele CA5153916.

ClinVar aggregate classification (germline): Benign/Likely benign. Review status: criteria provided, multiple submitters, no conflicts (2 of 4 stars). 6 submissions from 6 submitters: Benign (3); Likely benign (3). Last evaluated 2026-01-17.

Conditions:
Hereditary cancer-predisposing syndrome. Also called: Hereditary Cancer Syndrome; Tumor predisposition; Hereditary neoplastic syndrome; Neoplastic Syndromes, Hereditary. Identifiers: Orphanet 140162, MedGen C0027672, MeSH D009386, MONDO:0015356.
Colorectal cancer, susceptibility to, 1. Also called: COLORECTAL ADENOMA AND CANCER, SUSCEPTIBILITY TO; COLORECTAL CANCER, SUSCEPTIBILITY TO, ON CHROMOSOME 9. Identifiers: MedGen C1837315, MONDO:0012132, OMIM 608812.

Allele frequency attached by ClinVar (database versions not stated): gnomAD exomes 0.00027 and 0.00066; TOPMed 0.00041; gnomAD 0.00045; ExAC 0.00123.
gnomAD v4.1: 489 of 1,578,224 alleles (0.031%); highest among the groups gnomAD compares: Admixed American, 0.0054%; 1 homozygote.

Submissions (6):

Labcorp Genetics (formerly Invitae), Labcorp
Classification: Benign. Last evaluated: 2026-01-17. Review status: criteria provided, single submitter. Criteria: Invitae Variant Classification Sherloc (09022015). Collection method: clinical testing. Allele origin: germline.

Quest Diagnostics Nichols Institute San Juan Capistrano
Classification: Benign. Last evaluated: 2025-10-07. Review status: criteria provided, single submitter. Criteria: Quest Diagnostics criteria. Collection method: clinical testing. Allele origin: unknown.

Institute for Biomarker Research, Medical Diagnostic Laboratories, L.L.C.
Classification: Likely benign for Hereditary cancer-predisposing syndrome. Last evaluated: 2025-01-15. Review status: criteria provided, single submitter. Criteria: ACMG Guidelines, 2015. Collection method: clinical testing. Allele origin: germline.
Comment: The missense variant NM_024642.5(GALNT12):c.359G>C (p.Arg120Pro) has been reported to ClinVar as Benign with a status of (2 stars) criteria provided, multiple submitters, no conflicts (Variation ID 241512 as of 2025-01-02). There is a moderate physicochemical difference between arginine and proline. The nucleotide c.359 in GALNT12 is predicted conserved by GERP++ and PhyloP across 100 vertebrates. For these reasons, this variant has been classified as Likely Benign.

Department of Pathology and Laboratory Medicine, Sinai Health System
Classification: Likely benign for Colorectal cancer, susceptibility to, 1. Last evaluated: 2025-01-09. Review status: criteria provided, single submitter. Criteria: ACMG Guidelines, 2015. Collection method: clinical testing. Allele origin: germline. Affected: no.

Blueprint Genetics
Classification: Likely benign. Last evaluated: 2024-11-26. Review status: criteria provided, single submitter. Criteria: ACMG Guidelines, 2015. Collection method: clinical testing. Allele origin: germline.

Ambry Genetics
Classification: Benign. Last evaluated: 2019-05-08. Review status: criteria provided, single submitter. Criteria: Ambry Variant Classification Scheme 2023. Collection method: clinical testing. Allele origin: germline.

Literature cited by the submitters: PubMed 38136308 (cited by Quest Diagnostics Nichols Institute San Juan Capistrano).